The following is an entry in ClinVar:

ClinVar aggregate classification (germline): Uncertain significance (1 of 4 stars; one submission).

Submission:

GeneDx
Classification: Uncertain significance. Last evaluated: 2026-03-26. Review status: criteria provided, single submitter. Criteria: GeneDx Variant Classification Process June 2021. Collection method: clinical testing. Allele origin: germline.
Comment: Not observed at significant frequency in large population cohorts (gnomAD); In silico analysis supports that this missense variant has a deleterious effect on protein structure/function; Has not been previously published as pathogenic or benign to our knowledge

NM_000377.3(WAS):c.892G>A (p.Gly298Ser)

Gene: WAS (WASP actin nucleation promoting factor; plus strand). Cytogenetic location: Xp11.23.
Variant type: single nucleotide variant.
Coding change: c.892G>A on transcript NM_000377.3 (MANE Select); coding-DNA position 892, G replaced by A.
Protein change: p.Gly298Ser; replaces glycine 298 with serine.
Molecular consequence: missense variant.
Genome position (GRCh38, 1-based): chrX:48,688,414, G>A. VCF-style: chrX-48688414-G-A. GRCh37 (hg19) VCF-style: chrX-48546803-G-A.
Other names: c.892G>A, p.Gly298Ser (NM_001438877.1, NM_001438878.1, NM_001438879.1 and 1 more transcripts); short protein forms G298S.
Identifiers: ClinVar variation 5017492 (VCV005017492.1).